The following is an entry in ClinVar:

NM_001367561.1(DOCK7):c.118G>A (p.Val40Ile)

Gene: DOCK7 (dedicator of cytokinesis 7; minus strand). Cytogenetic location: 1p31.3.
Variant type: single nucleotide variant.
Coding change: c.118G>A on transcript NM_001367561.1 (MANE Select); coding-DNA position 118, G replaced by A.
Protein change: p.Val40Ile; replaces valine 40 with isoleucine.
Molecular consequence: missense variant.
Genome position (GRCh38, 1-based): chr1:62,663,051, C>T on the plus strand (G>A on the coding strand, the complement: DOCK7 is on the minus strand). VCF-style: chr1-62663051-C-T. GRCh37 (hg19) VCF-style: chr1-63128722-C-T.
Other names: c.118G>A, p.Val40Ile (NM_001271999.2, NM_001272000.2, NM_001272001.2 and 3 more transcripts); short protein forms V40I.
Identifiers: ClinVar variation 2144552 (VCV002144552.1), dbSNP rs1345776990, ClinGen allele CA340707892.
Genomic context (GRCh38, chr1:62,663,051, plus strand): 5'-CAAGAAGAGACTATATTTTGAATACGTTACTTACTGTGGTGTGATGGGATATATTGCCAA[C>T]AATATTAAGGTTTTTGAGCAGTTGGGGAGAACCACTATATTGTCCGGAGATCTGCTTCCT-3'
Protein context (NP_001354490.1, residues 30-50): SPQLLKNLNI[Val40Ile]GNISHHTTVP

ClinVar aggregate classification (germline): Uncertain significance (1 of 4 stars; one submission).

Conditions:
Developmental and epileptic encephalopathy, 23 (DEE23). Also called: Epileptic encephalopathy, early infantile, 23. Identifiers: Orphanet 411986, MedGen C4014492, MONDO:0014371, OMIM 615859.

Allele frequency attached by ClinVar (database versions not stated): gnomAD 0.00001; gnomAD exomes 0.00001; TOPMed 0.00001.
gnomAD v4.1: 18 of 1,612,132 alleles (0.0011%); highest among the groups gnomAD compares: Non-Finnish European, 0.0014%; no homozygotes.

Submission:

Labcorp Genetics (formerly Invitae), Labcorp
Classification: Uncertain significance for Developmental and epileptic encephalopathy, 23. Last evaluated: 2022-05-07. Review status: criteria provided, single submitter. Criteria: Invitae Variant Classification Sherloc (09022015). Collection method: clinical testing. Allele origin: germline.
Comment: This sequence change replaces valine, which is neutral and non-polar, with isoleucine, which is neutral and non-polar, at codon 40 of the DOCK7 protein (p.Val40Ile). This variant is not present in population databases (gnomAD no frequency). This variant has not been reported in the literature in individuals affected with DOCK7-related conditions. Algorithms developed to predict the effect of missense changes on protein structure and function (SIFT, PolyPhen-2, Align-GVGD) all suggest that this variant is likely to be tolerated. In summary, the available evidence is currently insufficient to determine the role of this variant in disease. Therefore, it has been classified as a Variant of Uncertain Significance.